The following is an entry in ClinVar:

NM_000038.6(APC):c.1972_1975del (p.Glu658fs)

Gene: APC (APC regulator of Wnt signaling pathway; plus strand). Cytogenetic location: 5q22.2.
Variant type: Microsatellite.
Coding change: c.1972_1975del on transcript NM_000038.6 (MANE Select); coding-DNA positions 1972 to 1975, 4 bases deleted (GAGA; older notation c.1972_1975delGAGA).
Protein change: p.Glu658fs; shifts the reading frame from glutamic acid 658.
Molecular consequence: frameshift variant.
Genome position (GRCh38, 1-based): chr5:112,837,566-112,837,569, GAGA deleted; deleting any 4 consecutive bases within chr5:112,837,563-112,837,569 gives the same sequence; the c. name uses the placement nearest the transcript's 3' end. VCF-style (leftmost placement, unchanged base first): chr5-112837562-AAGAG-A. GRCh37 (hg19) VCF-style: chr5-112173259-AAGAG-A.
Other names: c.1972_1975del, p.Glu658fs (NM_001127510.3, NM_001354895.2); c.1918_1921del, p.Glu640fs (NM_001127511.3); c.2026_2029del, p.Glu676fs (NM_001354896.2); c.2002_2005del, p.Glu668fs (NM_001354897.2); c.1897_1900del, p.Glu633fs (NM_001354898.2); c.1888_1891del, p.Glu630fs (NM_001354899.2); c.1849_1852del, p.Glu617fs (NM_001354900.2); c.1795_1798del, p.Glu599fs (NM_001354901.2); and 5 more; short protein forms E375fs, E498fs, E658fs, E630fs, E532fs, E557fs, E567fs, E633fs.
Identifiers: ClinVar variation 217940 (VCV000217940.27), dbSNP rs863225322, ClinGen allele CA279689.
Genomic context (GRCh38, chr5:112,837,562, plus strand): 5'-ACTGCATACACATTGTGACCTTAATTTTGTGATCTCTTGATTTTATTTCAGGCAAATCCT[AAGAG>A]AGAACAACTGTCTACAAACTTTATTACAACACTTAAAATCTCATAGTTTGACAATAGTCA-3'

ClinVar aggregate classification (germline): Pathogenic. Review status: criteria provided, multiple submitters, no conflicts (2 of 4 stars). 8 submissions from 8 submitters: Pathogenic (7). 1 of the submissions does not count toward it. Last evaluated 2025-04-11.

Conditions:
Hereditary cancer-predisposing syndrome. Also called: Hereditary Cancer Syndrome; Hereditary neoplastic syndrome; Neoplastic Syndromes, Hereditary; Tumor predisposition. Identifiers: Orphanet 140162, MedGen C0027672, MeSH D009386, MONDO:0015356.
Familial adenomatous polyposis 1 (FAP1). Also called: FAMILIAL ADENOMATOUS POLYPOSIS 1, ATTENUATED; POLYPOSIS, ADENOMATOUS INTESTINAL. Identifiers: MedGen C2713442, MONDO:0021056, OMIM 175100. Disease mechanism: loss of function.

Submissions (8):

Ambry Genetics
Classification: Pathogenic for Hereditary cancer-predisposing syndrome. Last evaluated: 2025-04-11. Review status: criteria provided, single submitter. Criteria: Ambry Variant Classification Scheme 2023. Collection method: clinical testing. Allele origin: germline.
Comment: The c.1972_1975delGAGA pathogenic mutation, located in coding exon 15 of the APC gene, results from a deletion of 4 nucleotides at nucleotide positions 1972 to 1975, causing a translational frameshift with a predicted alternate stop codon (p.E658Tfs*11). This alteration occurs at the 3' terminus of theAPC gene, is not expected to trigger nonsense-mediated mRNA decay, and impacts the last 76% of the protein. However, premature stop codons are typically deleterious in nature, the impacted region is critical for protein function, and a significant portion of the protein is affected (Ambry internal data). This alteration has been observed in at least one individual with a personal and/or family history that is consistent with APC-related disease (Ambry internal data). This mutation has been reported in cohorts of individuals with familial adenomatous polyposis and in patients referred for APC testing (Lagarde A et al. J. Med. Genet. 2010 Oct;47:721-2; Garz&oacute;n-Benavides M et al. Rev. Esp. Enferm. Dig. 2010 Nov;102:653-7; Miclea RL et al. J. Bone Miner. Res. 2010 Dec;25:2624-32; Kerr SE et al. J. Mol. Diagn. 2013 Jan;15:31-43; Out AA et al. Fam. Cancer 2015 Jun;14:247-57). This variant is considered to be rare based on population cohorts in the Genome Aggregation Database (gnomAD). Based on the supporting evidence, this alteration is interpreted as a disease-causing mutation.

Quest Diagnostics Nichols Institute San Juan Capistrano
Classification: Pathogenic. Last evaluated: 2025-03-10. Review status: criteria provided, single submitter. Criteria: Quest Diagnostics criteria. Collection method: clinical testing. Allele origin: unknown.
Comment: The APC c.1972_1975del (p.Glu658Thrfs*11) variant alters the translational reading frame of the APC mRNA and causes the premature termination of APC protein synthesis. This variant has been reported in the published literature in individuals with familial adenomatous polyposis (PMID: 25604157 (2015), 23159591 (2013), 21142386 (2010), 20564245 (2010), 20685668 (2010)). This variant has not been reported in large, multi-ethnic general populations (Genome Aggregation Database). Based on the available information, this variant is classified as pathogenic.

Labcorp Genetics (formerly Invitae), Labcorp
Classification: Pathogenic for Familial adenomatous polyposis 1. Last evaluated: 2024-09-06. Review status: criteria provided, single submitter. Criteria: Invitae Variant Classification Sherloc (09022015). Collection method: clinical testing. Allele origin: germline.
Comment: This sequence change creates a premature translational stop signal (p.Glu658Thrfs*11) in the APC gene. While this is not anticipated to result in nonsense mediated decay, it is expected to disrupt the last 2186 amino acid(s) of the APC protein. This variant is not present in population databases (gnomAD no frequency). This premature translational stop signal has been observed in individual(s) with familial adenomatous polyposis and several colorectal polyps (PMID: 2068568, 20564245, 23159591, 25604157). ClinVar contains an entry for this variant (Variation ID: 217940). This variant is expected to disrupt the EB1 and HDLG binding sites, which mediate interactions with the cytoskeleton (PMID: 15311282, 17293347). While functional studies have not been performed to directly test the effect on APC protein function, this suggests that disruption of the C-terminal portion of the protein is functionally important. A different truncation (p.Tyr2645Lysfs*14) that lies downstream of this variant has been determined to be pathogenic (PMID: 9824584, 1316610, 27081525, 8381579, 22135120, internal data). This suggests that deletion of this region of the APC protein is causative of disease. For these reasons, this variant has been classified as Pathogenic.

GeneDx
Classification: Pathogenic. Last evaluated: 2023-09-25. Review status: criteria provided, single submitter. Criteria: GeneDx Variant Classification Process June 2021. Collection method: clinical testing. Allele origin: germline. Affected: yes.
Comment: Frameshift variant predicted to result in protein truncation or nonsense mediated decay in a gene for which loss of function is a known mechanism of disease; Not observed at significant frequency in large population cohorts (gnomAD); This variant is associated with the following publications: (PMID: 20564245, 23159591, 17293347, 9824584, 15311282, 1316610, 27081525, 8381579, 22135120, 20685668)

Myriad Genetics, Inc.
Classification: Pathogenic for Familial adenomatous polyposis 1. Last evaluated: 2023-05-03. Review status: criteria provided, single submitter. Criteria: Myriad Autosomal Dominant, Autosomal Recessive and X-Linked Classification Criteria (2023). Collection method: clinical testing. Allele origin: unknown.
Comment: This variant is considered pathogenic. This variant creates a frameshift predicted to result in premature protein truncation.

Baylor Genetics
Classification: Pathogenic for Familial adenomatous polyposis 1. Last evaluated: 2022-11-01. Review status: criteria provided, single submitter. Criteria: ACMG Guidelines, 2015. Collection method: clinical testing. Allele origin: unknown.

Color Diagnostics, LLC DBA Color Health
Classification: Pathogenic for Hereditary cancer-predisposing syndrome. Last evaluated: 2021-03-15. Review status: criteria provided, single submitter. Criteria: ACMG Guidelines, 2015. Collection method: clinical testing. Allele origin: germline.
Comment: This variant deletes 4 nucleotides in exon 16 of the APC gene, creating a frameshift and premature translation stop signal. This variant is expected to result in an absent or non-functional protein product. To our knowledge, functional studies have not been reported for this variant. This variant has been reported in individuals affected with multiple polyps (PMID: 25604157) or familial adenomatous polyposis (PMID: 20564245, 20685668, 21142386, 23159591, 29122597). This variant has not been identified in the general population by the Genome Aggregation Database (gnomAD). Loss of APC function is a known mechanism of disease. Based on the available evidence, this variant is classified as Pathogenic.

Mayo Clinic Laboratories, Mayo Clinic
Classification: Pathogenic. Review status: no assertion criteria provided. Collection method: research. Allele origin: unknown. Observed: 1 variant allele. Not counted in ClinVar's aggregate classification.

Literature cited by the submitters: PubMed 20564245 (cited by 3 submitters); PubMed 20685668 (cited by Ambry Genetics and Quest Diagnostics Nichols Institute San Juan Capistrano); PubMed 21142386 (cited by Ambry Genetics and Quest Diagnostics Nichols Institute San Juan Capistrano); PubMed 23159591 (cited by 3 submitters); PubMed 25604157 (cited by 3 submitters); PubMed 29122597 (cited by Ambry Genetics); PubMed 2068568 (cited by Labcorp Genetics (formerly Invitae), Labcorp); PubMed 15311282 (cited by Labcorp Genetics (formerly Invitae), Labcorp); PubMed 17293347 (cited by Labcorp Genetics (formerly Invitae), Labcorp); PubMed 9824584 (cited by Labcorp Genetics (formerly Invitae), Labcorp); PubMed 1316610 (cited by Labcorp Genetics (formerly Invitae), Labcorp); PubMed 27081525 (cited by Labcorp Genetics (formerly Invitae), Labcorp); PubMed 8381579 (cited by Labcorp Genetics (formerly Invitae), Labcorp); PubMed 22135120 (cited by Labcorp Genetics (formerly Invitae), Labcorp).